The following is an entry in ClinVar:

ClinVar aggregate classification (germline): Uncertain significance (1 of 4 stars; one submission).

Conditions:
Dilated cardiomyopathy 1G (CMD1G). Identifiers: Orphanet 154, MedGen C1858763, MONDO:0011400, OMIM 604145.
Autosomal recessive limb-girdle muscular dystrophy type 2J (LGMDR10). Also called: Limb-girdle muscular dystrophy, type 2J; MUSCULAR DYSTROPHY, LIMB-GIRDLE, AUTOSOMAL RECESSIVE 10. Identifiers: Orphanet 140922, MedGen C1837342, MONDO:0012127, OMIM 608807.

Allele frequency attached by ClinVar (database versions not stated): gnomAD exomes below 0.00001 and 0.00001; TOPMed below 0.00001.
gnomAD v4.1: 3 of 1,614,028 alleles (0.00019%); highest among the groups gnomAD compares: Non-Finnish European, 0.00025%; no homozygotes.

Submission:

Labcorp Genetics (formerly Invitae), Labcorp
Classification: Uncertain significance for Dilated cardiomyopathy 1G; Autosomal recessive limb-girdle muscular dystrophy type 2J. Last evaluated: 2025-06-09. Review status: criteria provided, single submitter. Criteria: Invitae Variant Classification Sherloc (09022015). Collection method: clinical testing. Allele origin: germline.
Comment: This sequence change replaces arginine, which is basic and polar, with glycine, which is neutral and non-polar, at codon 34835 of the TTN protein (p.Arg34835Gly). This variant is present in population databases (no rsID available, gnomAD 0.0009%). This variant has not been reported in the literature in individuals affected with TTN-related conditions. ClinVar contains an entry for this variant (Variation ID: 837478). Experimental studies and prediction algorithms are not available or were not evaluated, and the functional significance of this variant is currently unknown. This variant is located in the M band of TTN (PMID: 25589632). Non-truncating variants in this region may be relevant for neuromuscular disorders, but have not been definitively shown to cause cardiomyopathy (PMID: 23975875). In summary, the available evidence is currently insufficient to determine the role of this variant in disease. Therefore, it has been classified as a Variant of Uncertain Significance.

Literature cited by the submitters: PubMed 25589632; PubMed 23975875.

NM_001267550.2(TTN):c.104503A>G (p.Arg34835Gly)

Genes: TTN-AS1 (TTN antisense RNA 1; plus strand), TTN (titin; minus strand). Cytogenetic location: 2q31.2.
Variant type: single nucleotide variant.
Coding change: c.104503A>G on transcript NM_001267550.2 (MANE Select); coding-DNA position 104503, A replaced by G.
Protein change: p.Arg34835Gly; replaces arginine 34835 with glycine.
Molecular consequence: missense variant.
Genome position (GRCh38, 1-based): chr2:178,532,112, T>C on the plus strand (A>G on the coding strand, the complement: TTN is on the minus strand). VCF-style: chr2-178532112-T-C. GRCh37 (hg19) VCF-style: chr2-179396839-T-C.
Other names: c.99580A>G, p.Arg33194Gly (NM_001256850.1); c.77308A>G, p.Arg25770Gly (NM_003319.4); c.96799A>G, p.Arg32267Gly (NM_133378.4); c.77683A>G, p.Arg25895Gly (NM_133432.3); c.77884A>G, p.Arg25962Gly (NM_133437.4); short protein forms R25962G, R25770G, R25895G, R32267G, R34835G, R33194G.
Identifiers: ClinVar variation 837478 (VCV000837478.8), dbSNP rs938452034, ClinGen allele CA60956164.